The following is an entry in ClinVar:

NM_000815.5(GABRD):c.1112C>T (p.Thr371Met)

Gene: GABRD (gamma-aminobutyric acid type A receptor subunit delta; plus strand). Cytogenetic location: 1p36.33.
Variant type: single nucleotide variant.
Coding change: c.1112C>T on transcript NM_000815.5 (MANE Select); coding-DNA position 1112, C replaced by T.
Protein change: p.Thr371Met; replaces threonine 371 with methionine.
Molecular consequence: missense variant.
Genome position (GRCh38, 1-based): chr1:2,030,035, C>T. VCF-style: chr1-2030035-C-T. GRCh37 (hg19) VCF-style: chr1-1961474-C-T.
Other names: short protein forms T371M.
Identifiers: ClinVar variation 2689102 (VCV002689102.5), dbSNP rs750302215, ClinGen allele CA534915.

ClinVar aggregate classification (germline): Uncertain significance. Review status: criteria provided, multiple submitters, no conflicts (2 of 4 stars). 2 submissions from 2 submitters: Uncertain significance (2). Last evaluated 2025-07-14.

Conditions:
Idiopathic generalized epilepsy. Also called: EIG; Generalised epilepsy. Identifiers: MedGen C0270850, MONDO:0005579, OMIM 600669.

Allele frequency attached by ClinVar (database versions not stated): ExAC 0.00001; gnomAD exomes 0.00001; gnomAD 0.00001; TOPMed 0.00001.
gnomAD v4.1: 11 of 1,612,478 alleles (0.00068%); highest among the groups gnomAD compares: East Asian, 0.0022%; no homozygotes.

Submissions (2):

Labcorp Genetics (formerly Invitae), Labcorp
Classification: Uncertain significance for Idiopathic generalized epilepsy. Last evaluated: 2025-07-14. Review status: criteria provided, single submitter. Criteria: Invitae Variant Classification Sherloc (09022015). Collection method: clinical testing. Allele origin: germline.
Comment: This sequence change replaces threonine, which is neutral and polar, with methionine, which is neutral and non-polar, at codon 371 of the GABRD protein (p.Thr371Met). This variant is present in population databases (rs750302215, gnomAD 0.003%). This variant has not been reported in the literature in individuals affected with GABRD-related conditions. ClinVar contains an entry for this variant (Variation ID: 2689102). An algorithm developed to predict the effect of missense changes on protein structure and function (PolyPhen-2) suggests that this variant is likely to be disruptive. In summary, the available evidence is currently insufficient to determine the role of this variant in disease. Therefore, it has been classified as a Variant of Uncertain Significance.

Revvity Omics, Revvity
Classification: Uncertain significance. Last evaluated: 2023-04-05. Review status: criteria provided, single submitter. Criteria: ACMG Guidelines, 2015. Collection method: clinical testing. Allele origin: germline.